The following is an entry in ClinVar:

NM_001039958.2(MESP2):c.302del (p.Leu101fs)

Genes: MESP2 (mesoderm posterior bHLH transcription factor 2; plus strand), LOC130057891 (ATAC-STARR-seq lymphoblastoid silent region 6806; plus strand). Cytogenetic location: 15q26.1.
Variant type: Deletion.
Coding change: c.302del on transcript NM_001039958.2 (MANE Select); coding-DNA position 302, one base deleted (T; older notation c.302delT).
Protein change: p.Leu101fs; shifts the reading frame from leucine 101.
Molecular consequence: frameshift variant.
Genome position (GRCh38, 1-based): chr15:89,776,659, T deleted. VCF-style (leftmost placement, unchanged base first): chr15-89776658-CT-C. GRCh37 (hg19) VCF-style: chr15-90319889-CT-C.
Other names: short protein forms L101fs.
Identifiers: ClinVar variation 5004412 (VCV005004412.1).

ClinVar aggregate classification (germline): Pathogenic (1 of 4 stars; one submission).

Conditions:
Spondylocostal dysostosis 2, autosomal recessive (SCDO2). Also called: MESP2-Related Spondylocostal Dysostosis, Autosomal Recessive; Spondylocostal dysostosis type 2. Identifiers: Orphanet 2311, MedGen C1837549, MONDO:0012097, OMIM 608681.

Submission:

Myriad Genetics, Inc.
Classification: Pathogenic for Spondylocostal dysostosis 2, autosomal recessive. Last evaluated: 2026-01-22. Review status: criteria provided, single submitter. Criteria: Myriad Autosomal Dominant, Autosomal Recessive and X-Linked Classification Criteria (2023). Collection method: clinical testing. Allele origin: unknown.
Comment: NM_001039958.1(MESP2):c.302delT(L101Rfs*19) is a frameshift variant classified as pathogenic in the context of spondylothoracic dysostosis. L101Rfs*19 has not been observed in cases with relevant disease. Relevant functional assessments of this variant are not available in the literature. L101Rfs*19 has not been observed in referenced population frequency databases. In summary, NM_001039958.1(MESP2):c.302delT(L101Rfs*19) is a frameshift variant in a gene where loss of function is a known mechanism of disease and is predicted to disrupt protein function. Please note: this variant was assessed in the context of healthy population screening.